The following is an entry in ClinVar:

ClinVar aggregate classification (germline): Uncertain significance (1 of 4 stars; one submission).

Allele frequency attached by ClinVar (database versions not stated): gnomAD exomes 0.00001; gnomAD 0.00003; TOPMed 0.00004; ESP Exome Variant Server 0.00008.
gnomAD v4.1: 28 of 1,613,966 alleles (0.0017%); highest among the groups gnomAD compares: South Asian, 0.0044%; no homozygotes.

Submission:

Labcorp Genetics (formerly Invitae), Labcorp
Classification: Uncertain significance. Last evaluated: 2022-01-28. Review status: criteria provided, single submitter. Criteria: Invitae Variant Classification Sherloc (09022015). Collection method: clinical testing. Allele origin: germline.
Comment: This sequence change replaces arginine, which is basic and polar, with glutamine, which is neutral and polar, at codon 83 of the GGCX protein (p.Arg83Gln). This variant is present in population databases (rs373452454, gnomAD 0.006%). This variant has not been reported in the literature in individuals affected with GGCX-related conditions. Algorithms developed to predict the effect of missense changes on protein structure and function are either unavailable or do not agree on the potential impact of this missense change (SIFT: "Deleterious"; PolyPhen-2: "Probably Damaging"; Align-GVGD: "Class C0"). This variant disrupts the p.Arg83 amino acid residue in GGCX. Other variant(s) that disrupt this residue have been determined to be pathogenic (PMID: 19116367, 26944767). This suggests that this residue is clinically significant, and that variants that disrupt this residue are likely to be disease-causing. In summary, the available evidence is currently insufficient to determine the role of this variant in disease. Therefore, it has been classified as a Variant of Uncertain Significance.

Literature cited by the submitters: PubMed 19116367; PubMed 26944767.

NM_000821.7(GGCX):c.248G>A (p.Arg83Gln)

Gene: GGCX (gamma-glutamyl carboxylase; minus strand). Cytogenetic location: 2p11.2.
Variant type: single nucleotide variant.
Coding change: c.248G>A on transcript NM_000821.7 (MANE Select); coding-DNA position 248, G replaced by A.
Protein change: p.Arg83Gln; replaces arginine 83 with glutamine.
Molecular consequence: missense variant.
Genome position (GRCh38, 1-based): chr2:85,559,042, C>T on the plus strand (G>A on the coding strand, the complement: GGCX is on the minus strand). VCF-style: chr2-85559042-C-T. GRCh37 (hg19) VCF-style: chr2-85786165-C-T.
Other names: c.77G>A, p.Arg26Gln (NM_001142269.4); c.248G>A, p.Arg83Gln (NM_001311312.3); short protein forms R26Q, R83Q.
Identifiers: ClinVar variation 1494497 (VCV001494497.3), dbSNP rs373452454, ClinGen allele CA51739608.